The following is an entry in ClinVar:

ClinVar aggregate classification (germline): Pathogenic (1 of 4 stars; one submission).

Conditions:
DICER1-related tumor predisposition. Also called: DICER1 syndrome; DICER1-related pleuropulmonary blastoma cancer predisposition syndrome. Identifiers: Orphanet 284343, MedGen C3839822, MONDO:0100216.

Submission:

Labcorp Genetics (formerly Invitae), Labcorp
Classification: Pathogenic for DICER1-related tumor predisposition. Last evaluated: 2024-03-12. Review status: criteria provided, single submitter. Criteria: Invitae Variant Classification Sherloc (09022015). Collection method: clinical testing. Allele origin: germline.
Comment: This sequence change creates a premature translational stop signal (p.Ser1792Glyfs*3) in the DICER1 gene. It is expected to result in an absent or disrupted protein product. Loss-of-function variants in DICER1 are known to be pathogenic (PMID: 19556464, 21266384). This variant is not present in population databases (gnomAD no frequency). This variant has not been reported in the literature in individuals affected with DICER1-related conditions. For these reasons, this variant has been classified as Pathogenic.

Literature cited by the submitters: PubMed 19556464; PubMed 21266384.

NM_177438.3(DICER1):c.5374_5378del (p.Ser1792fs)

Gene: DICER1 (dicer 1, ribonuclease III; minus strand). Cytogenetic location: 14q32.13.
Variant type: Deletion.
Coding change: c.5374_5378del on transcript NM_177438.3 (MANE Select); coding-DNA positions 5374 to 5378, 5 bases deleted (TCTGA; older notation c.5374_5378delTCTGA).
Protein change: p.Ser1792fs; shifts the reading frame from serine 1792.
Molecular consequence: frameshift variant. On other transcripts: non-coding transcript variant (6), intron variant (1).
Genome position (GRCh38, 1-based): chr14:95,091,352-95,091,356, TCAGA deleted on the plus strand (TCTGA on the coding strand, the reverse complement: DICER1 is on the minus strand); deleting any 5 consecutive bases within chr14:95,091,352-95,091,358 gives the same sequence; the c. name uses the placement nearest the transcript's 3' end. VCF-style (leftmost placement, unchanged base first): chr14-95091351-CTCAGA-C. GRCh37 (hg19) VCF-style: chr14-95557688-CTCAGA-C.
Other names: c.5374_5378del, p.Ser1792fs (NM_001271282.3, NM_001291628.2, NM_001395677.1 and 7 more transcripts); c.5092_5096del, p.Ser1698fs (NM_001395686.1); c.4969_4973del, p.Ser1657fs (NM_001395687.1, NM_001395688.1, NM_001395689.1 and 1 more transcripts); c.4807_4811del, p.Ser1603fs (NM_001395691.1); c.3691_3695del, p.Ser1231fs (NM_001395697.1); c.5365-247_5365-243del (NM_001195573.1); short protein forms S1698fs, S1231fs, S1603fs, S1792fs, S1657fs.
Identifiers: ClinVar variation 3645103 (VCV003645103.2).